The following is an entry in ClinVar:

ClinVar aggregate classification (germline): Uncertain significance (1 of 4 stars; one submission).

Conditions:
Catecholaminergic polymorphic ventricular tachycardia (CVPT). Also called: Catecholamine-induced polymorphic ventricular tachycardia. Identifiers: Orphanet 3286, MedGen C5574922, MONDO:0017990.

Allele frequency attached by ClinVar (database versions not stated): gnomAD exomes below 0.00001.
gnomAD v4.1: 2 of 1,613,600 alleles (0.00012%); highest among the groups gnomAD compares: Non-Finnish European, 0.00017%; no homozygotes.

Submission:

All of Us Research Program, National Institutes of Health
Classification: Uncertain significance for Catecholaminergic polymorphic ventricular tachycardia. Last evaluated: 2023-06-26. Review status: criteria provided, single submitter. Criteria: ACMG Guidelines, 2015. Collection method: clinical testing. Allele origin: germline. Inheritance: Autosomal dominant inheritance. Observed: 1 variant allele, 1 heterozygote.
Comment: This missense variant replaces threonine with asparagine at codon 3463 of the RYR2 protein. Computational prediction is inconclusive regarding the impact of this variant on protein structure and function (internally defined REVEL score threshold 0.5 < inconclusive < 0.7, PMID: 27666373). To our knowledge, functional studies have not been reported for this variant. This variant has not been reported in individuals affected with RYR2-related disorders in the literature. This variant has not been identified in the general population by the Genome Aggregation Database (gnomAD). The available evidence is insufficient to determine the role of this variant in disease conclusively. Therefore, this variant is classified as a Variant of Uncertain Significance.

This study involves interpretation of variants in research participants for the purpose of population health screening. Participant phenotype was not available at the time of variant classification. Additional details can be found in publication PMID: 35346344, PMCID: PMC8962531

NM_001035.3(RYR2):c.10388C>A (p.Thr3463Asn)

Gene: RYR2 (ryanodine receptor 2; plus strand). Cytogenetic location: 1q43.
Variant type: single nucleotide variant.
Coding change: c.10388C>A on transcript NM_001035.3 (MANE Select); coding-DNA position 10388, C replaced by A.
Protein change: p.Thr3463Asn; replaces threonine 3463 with asparagine.
Molecular consequence: missense variant.
Genome position (GRCh38, 1-based): chr1:237,717,262, C>A. VCF-style: chr1-237717262-C-A. GRCh37 (hg19) VCF-style: chr1-237880562-C-A.
Other names: short protein forms T3463N.
Identifiers: ClinVar variation 3072245 (VCV003072245.1), dbSNP rs2547451957, ClinGen allele CA345414413.